The following is an entry in ClinVar:

ClinVar aggregate classification (germline): Likely pathogenic (1 of 4 stars; one submission).

Conditions:
Congenital hyperammonemia, type I. Also called: Carbamoyl-phosphate synthase I deficiency; CPS I DEFICIENCY; Carbamoyl phosphate synthetase I deficiency disease; Carbamoyl phosphate synthetase 1 deficiency; Hyperammonemia due to carbamoyl phosphate synthetase 1 deficiency; CPS 1 deficiency. Identifiers: Orphanet 147, MedGen C4082171, MONDO:0009376, OMIM 237300.

Submission:

Labcorp Genetics (formerly Invitae), Labcorp
Classification: Likely pathogenic for Congenital hyperammonemia, type I. Last evaluated: 2022-05-04. Review status: criteria provided, single submitter. Criteria: Invitae Variant Classification Sherloc (09022015). Collection method: clinical testing. Allele origin: germline.
Comment: This variant results in the deletion of part of exon 31 (c.3683_3756+772del) of the CPS1 gene. It is expected to disrupt RNA splicing. Variants that disrupt the donor or acceptor splice site typically lead to a loss of protein function (PMID: 16199547), and loss-of-function variants in CPS1 are known to be pathogenic (PMID: 21120950). This variant is not present in population databases (gnomAD no frequency). In summary, the currently available evidence indicates that the variant is pathogenic, but additional data are needed to prove that conclusively. Therefore, this variant has been classified as Likely Pathogenic. This variant disrupts a region of the CPS1 protein in which other variant(s) (p.N1241K and p.L1245H) have been observed in individuals with CPS1-related conditions (PMID: 17310273, 32934962). This suggests that this is a clinically significant region of the protein, and that variants that disrupt it are likely to be disease-causing. This variant has not been reported in the literature in individuals affected with CPS1-related conditions.

Literature cited by the submitters: PubMed 16199547; PubMed 21120950; PubMed 17310273; PubMed 32934962.

NM_001875.5(CPS1):c.3683_3756+772del

Gene: CPS1 (carbamoyl-phosphate synthase 1; plus strand). Cytogenetic location: 2q34.
Variant type: Deletion.
Coding change: c.3683_3756+772del on transcript NM_001875.5 (MANE Select); coding-DNA position 3683 through 772 bases into the intron after coding-DNA position 3756, 846 bases deleted.
Molecular consequence: splice acceptor variant, splice donor variant.
Genome position (GRCh38, 1-based): chr2:210,658,615-210,659,460, 846 bases deleted. GRCh37 (hg19): chr2:211,523,339-211,524,184.
Other names: c.3683_3756+772del (NM_001369257.1, NM_001122633.3); c.3716_3789+772del (NM_001369256.1).
Identifiers: ClinVar variation 2133729 (VCV002133729.4), dbSNP rs2469326727, ClinGen allele CA2580065540.